The following is an entry in ClinVar:

ClinVar aggregate classification (germline): Uncertain significance (1 of 4 stars; one submission).

Conditions:
Arrhythmogenic right ventricular dysplasia 8 (ARVD8). Also called: Arrhythmogenic Right Ventricular Dysplasia/Cardiomyopathy 8; ARRHYTHMOGENIC RIGHT VENTRICULAR DYSPLASIA, FAMILIAL, 8; ARRHYTHMOGENIC RIGHT VENTRICULAR CARDIOMYOPATHY 8. Identifiers: MedGen C1843896, MONDO:0011831, OMIM 607450.
Arrhythmogenic cardiomyopathy with wooly hair and keratoderma. Also called: PALMOPLANTAR KERATODERMA WITH LEFT VENTRICULAR CARDIOMYOPATHY AND WOOLLY HAIR; Dilated cardiomyopathy with woolly hair and keratoderma; Arrhythmogenic cardiomyopathy with woolly hair and keratoderma; Carvajal syndrome. Identifiers: Orphanet 65282, MedGen C1854063, MONDO:0011581, OMIM 605676.

Submission:

Labcorp Genetics (formerly Invitae), Labcorp
Classification: Uncertain significance for Arrhythmogenic cardiomyopathy with wooly hair and keratoderma; Arrhythmogenic right ventricular dysplasia 8. Last evaluated: 2025-01-28. Review status: criteria provided, single submitter. Criteria: Invitae Variant Classification Sherloc (09022015). Collection method: clinical testing. Allele origin: germline.
Comment: This sequence change replaces arginine, which is basic and polar, with threonine, which is neutral and polar, at codon 1015 of the DSP protein (p.Arg1015Thr). This variant is not present in population databases (gnomAD no frequency). This variant has not been reported in the literature in individuals affected with DSP-related conditions. An algorithm developed to predict the effect of missense changes on protein structure and function (PolyPhen-2) suggests that this variant is likely to be tolerated. In summary, the available evidence is currently insufficient to determine the role of this variant in disease. Therefore, it has been classified as a Variant of Uncertain Significance.

NM_004415.4(DSP):c.3044G>C (p.Arg1015Thr)

Gene: DSP (desmoplakin; plus strand). Cytogenetic location: 6p24.3.
Variant type: single nucleotide variant.
Coding change: c.3044G>C on transcript NM_004415.4 (MANE Select); coding-DNA position 3044, G replaced by C.
Protein change: p.Arg1015Thr; replaces arginine 1015 with threonine.
Molecular consequence: missense variant.
Genome position (GRCh38, 1-based): chr6:7,578,522, G>C. VCF-style: chr6-7578522-G-C. GRCh37 (hg19) VCF-style: chr6-7578755-G-C.
Other names: c.3044G>C, p.Arg1015Thr (NM_001008844.3, NM_001319034.2); short protein forms R1015T.
Identifiers: ClinVar variation 4793986 (VCV004793986.1).